The following is an entry in ClinVar:

NM_001048174.2(MUTYH):c.367G>A (p.Gly123Arg)

Gene: MUTYH (mutY DNA glycosylase; minus strand). Cytogenetic location: 1p34.1.
Variant type: single nucleotide variant.
Coding change: c.367G>A on transcript NM_001048174.2 (MANE Select); coding-DNA position 367, G replaced by A.
Protein change: p.Gly123Arg; replaces glycine 123 with arginine.
Molecular consequence: missense variant. On other transcripts: non-coding transcript variant (1), intron variant (2).
Genome position (GRCh38, 1-based): chr1:45,333,108, C>T on the plus strand (G>A on the coding strand, the complement: MUTYH is on the minus strand). VCF-style: chr1-45333108-C-T. GRCh37 (hg19) VCF-style: chr1-45798780-C-T.
Other names: c.367G>A, p.Gly123Arg (NM_001048171.2, NM_001048173.2, NM_001293195.2); c.370G>A, p.Gly124Arg (NM_001048172.2); c.451G>A, p.Gly151Arg (NM_001128425.2); c.412G>A, p.Gly138Arg (NM_001293190.2); c.400G>A, p.Gly134Arg (NM_001293191.2); c.91G>A, p.Gly31Arg (NM_001293192.2, NM_001293196.2); c.442G>A, p.Gly148Arg (NM_012222.3); c.34-149G>A (NM_001350651.2, NM_001350650.2); short protein forms G151R, G148R, G123R, G124R, G138R, G31R, G134R.
Identifiers: ClinVar variation 141994 (VCV000141994.14), dbSNP rs587782165, ClinGen allele CA013601.

ClinVar aggregate classification (germline): Conflicting classifications of pathogenicity. Review status: criteria provided, conflicting classifications (1 of 4 stars). 3 submissions from 3 submitters: Uncertain significance (1); Likely benign (2). Last evaluated 2025-08-02.

Conditions:
Hereditary cancer-predisposing syndrome. Also called: Neoplastic Syndromes, Hereditary; Hereditary Cancer Syndrome; Tumor predisposition; Hereditary neoplastic syndrome. Identifiers: Orphanet 140162, MedGen C0027672, MeSH D009386, MONDO:0015356.
Familial adenomatous polyposis 2. Also called: MUTYH-associated polyposis; MUTYH Polyposis; FAP type 2; Adenomas, multiple colorectal; COLORECTAL ADENOMATOUS POLYPOSIS, AUTOSOMAL RECESSIVE; ADENOMAS, MULTIPLE COLORECTAL, AUTOSOMAL RECESSIVE. Identifiers: Orphanet 220460, Orphanet 247798, MedGen C3272841, MONDO:0012041, OMIM 608456.

Allele frequency attached by ClinVar (database versions not stated): TOPMed below 0.00001; gnomAD 0.00001; gnomAD exomes 0.00001; ExAC 0.00002.

Submissions (3):

Labcorp Genetics (formerly Invitae), Labcorp
Classification: Uncertain significance for Familial adenomatous polyposis 2. Last evaluated: 2025-08-02. Review status: criteria provided, single submitter. Criteria: Invitae Variant Classification Sherloc (09022015). Collection method: clinical testing. Allele origin: germline.
Comment: This sequence change replaces glycine, which is neutral and non-polar, with arginine, which is basic and polar, at codon 151 of the MUTYH protein (p.Gly151Arg). This variant is present in population databases (rs587782165, gnomAD 0.002%). This variant has not been reported in the literature in individuals affected with MUTYH-related conditions. ClinVar contains an entry for this variant (Variation ID: 141994). An algorithm developed to predict the effect of missense changes on protein structure and function (PolyPhen-2) suggests that this variant is likely to be tolerated. RNA analysis performed to evaluate the impact of this missense change on mRNA splicing indicates it does not significantly alter splicing (internal data). In summary, the available evidence is currently insufficient to determine the role of this variant in disease. Therefore, it has been classified as a Variant of Uncertain Significance.

Color Diagnostics, LLC DBA Color Health
Classification: Likely benign for Hereditary cancer-predisposing syndrome. Last evaluated: 2025-07-03. Review status: criteria provided, single submitter. Criteria: ACMG Guidelines, 2015. Collection method: clinical testing. Allele origin: germline.

Ambry Genetics
Classification: Likely benign for Hereditary cancer-predisposing syndrome. Last evaluated: 2015-06-09. Review status: criteria provided, single submitter. Criteria: Ambry Variant Classification Scheme 2023. Collection method: clinical testing. Allele origin: germline.